The following is an entry in ClinVar:

ClinVar aggregate classification (germline): Likely pathogenic (1 of 4 stars; one submission).

Conditions:
Hereditary cancer-predisposing syndrome. Also called: Tumor predisposition; Hereditary Cancer Syndrome; Hereditary neoplastic syndrome; Neoplastic Syndromes, Hereditary. Identifiers: Orphanet 140162, MedGen C0027672, MeSH D009386, MONDO:0015356.

Submission:

Ambry Genetics
Classification: Likely pathogenic for Hereditary cancer-predisposing syndrome. Last evaluated: 2024-02-26. Review status: criteria provided, single submitter. Criteria: Ambry Variant Classification Scheme 2023. Collection method: clinical testing. Allele origin: germline.
Comment: The c.8584+1delG intronic variant, located in intron 57 of the ATM gene, results from a deletion of one nucleotide within intron 57 of the ATM gene. This nucleotide position is highly conserved in available vertebrate species. In silico splice site analysis predicts that this alteration will weaken the native splice donor site and may result in the creation or strengthening of a novel splice donor site. RNA studies have demonstrated that this alteration results in abnormal splicing in the set of samples tested (Ambry internal data). Based on the majority of available evidence to date, this variant is likely to be pathogenic.

NM_000051.4(ATM):c.8584+1del

Genes: ATM (ATM serine/threonine kinase; plus strand), C11orf65 (chromosome 11 open reading frame 65; minus strand). Cytogenetic location: 11q22.3.
Variant type: Deletion.
Coding change: c.8584+1del on transcript NM_000051.4 (MANE Select); the canonical splice donor site of the intron after coding-DNA position 8584, one base deleted (G; older notation c.8584+1delG).
Molecular consequence: splice donor variant. On other transcripts: intron variant (2).
Genome position (GRCh38, 1-based): chr11:108,345,909, G deleted; the last of 2 consecutive G bases (chr11:108,345,908-108,345,909); deleting either gives the same sequence. VCF-style (leftmost placement, unchanged base first): chr11-108345907-TG-T. GRCh37 (hg19) VCF-style: chr11-108216634-TG-T.
Other names: c.8584+1del (NM_001351834.2); c.641-36837del (NM_001330368.2); c.695-10616del (NM_001351110.2).
Identifiers: ClinVar variation 3223326 (VCV003223326.1), dbSNP rs2547446603, ClinGen allele CA2825001982.